The following is an entry in ClinVar:

ClinVar aggregate classification (germline): Uncertain significance (1 of 4 stars; one submission).

Conditions:
Ritscher-Schinzel syndrome. Also called: CRANIOCEREBELLOCARDIAC DYSPLASIA. Identifiers: Orphanet 7, MedGen C0796137, MONDO:0019078.
Hereditary spastic paraplegia 8 (SPG8). Also called: SPASTIC PARAPLEGIA 8, AUTOSOMAL DOMINANT. Identifiers: Orphanet 100989, MedGen C1863704, MONDO:0011339, OMIM 603563.

gnomAD v4.1: 3 of 1,614,020 alleles (0.00019%); highest among the groups gnomAD compares: Non-Finnish European, 0.00025%; no homozygotes.

Submission:

Labcorp Genetics (formerly Invitae), Labcorp
Classification: Uncertain significance for Ritscher-Schinzel syndrome; Hereditary spastic paraplegia 8. Last evaluated: 2024-07-21. Review status: criteria provided, single submitter. Criteria: Invitae Variant Classification Sherloc (09022015). Collection method: clinical testing. Allele origin: germline.
Comment: This sequence change replaces glutamic acid, which is acidic and polar, with glutamine, which is neutral and polar, at codon 707 of the WASHC5 protein (p.Glu707Gln). This variant is not present in population databases (gnomAD no frequency). This variant has not been reported in the literature in individuals affected with WASHC5-related conditions. Advanced modeling of protein sequence and biophysical properties (such as structural, functional, and spatial information, amino acid conservation, physicochemical variation, residue mobility, and thermodynamic stability) performed at Invitae indicates that this missense variant is expected to disrupt WASHC5 protein function with a positive predictive value of 80%. In summary, the available evidence is currently insufficient to determine the role of this variant in disease. Therefore, it has been classified as a Variant of Uncertain Significance.

NM_014846.4(WASHC5):c.2119G>C (p.Glu707Gln)

Gene: WASHC5 (WASH complex subunit 5; minus strand). Cytogenetic location: 8q24.13.
Variant type: single nucleotide variant.
Coding change: c.2119G>C on transcript NM_014846.4 (MANE Select); coding-DNA position 2119, G replaced by C.
Protein change: p.Glu707Gln; replaces glutamic acid 707 with glutamine.
Molecular consequence: missense variant.
Genome position (GRCh38, 1-based): chr8:125,050,644, C>G on the plus strand (G>C on the coding strand, the complement: WASHC5 is on the minus strand). VCF-style: chr8-125050644-C-G. GRCh37 (hg19) VCF-style: chr8-126062886-C-G.
Other names: c.1675G>C, p.Glu559Gln (NM_001330609.2); short protein forms E559Q, E707Q.
Identifiers: ClinVar variation 3757328 (VCV003757328.2).
Genomic context (GRCh38, chr8:125,050,644, plus strand): 5'-TCAGTCCCCTATGCAGGGCAAAGGCAACGCGCTTCACAAGCTCTTTCCTTATTCCATCTT[C>G]CAGCAACTGCTTTGGATCCACCTAAGTGCCAATCAAAAGTATTAAATGATAGTTACGAAA-3'
Protein context (NP_055661.3, residues 697-717): IIKVDPKQLL[Glu707Gln]DGIRKELVKR